The following is an entry in ClinVar:

ClinVar aggregate classification (germline): Benign. Review status: criteria provided, multiple submitters, no conflicts (2 of 4 stars). 6 submissions from 6 submitters: Benign (6). Last evaluated 2026-02-04.

Conditions:
Hereditary pancreatitis (PCTT). Also called: Hereditary chronic pancreatitis; PRSS1-Related Hereditary Pancreatitis. Identifiers: Orphanet 676, MedGen C0238339, MONDO:0008185, OMIM 167800.

Allele frequency attached by ClinVar (database versions not stated): gnomAD exomes 0.00076 and 0.00191; ExAC 0.00244; gnomAD 0.00782 and 0.00830; 1000 Genomes Project 0.00799; ESP Exome Variant Server 0.00815; 1000 Genomes Project 30x 0.00859; TOPMed 0.00903.

Submissions (6):

Labcorp Genetics (formerly Invitae), Labcorp
Classification: Benign for Hereditary pancreatitis. Last evaluated: 2026-02-04. Review status: criteria provided, single submitter. Criteria: Invitae Variant Classification Sherloc (09022015). Collection method: clinical testing. Allele origin: germline.

ARUP Laboratories, Molecular Genetics and Genomics, ARUP Laboratories
Classification: Benign for Hereditary pancreatitis. Last evaluated: 2025-07-07. Review status: criteria provided, single submitter. Criteria: ARUP Molecular Germline Variant Investigation Process 2024. Collection method: clinical testing. Allele origin: germline.

Mayo Clinic Laboratories, Mayo Clinic
Classification: Benign. Last evaluated: 2021-10-25. Review status: criteria provided, single submitter. Criteria: ACMG Guidelines, 2015. Collection method: clinical testing. Allele origin: germline. Observed: 20 variant alleles.
Comment: BS1, BS2, BP4, BP7

GeneDx
Classification: Benign. Last evaluated: 2020-11-10. Review status: criteria provided, single submitter. Criteria: GeneDx Variant Classification Process June 2021. Collection method: clinical testing. Allele origin: germline. Affected: yes.

Illumina Laboratory Services, Illumina
Classification: Benign for Hereditary pancreatitis. Last evaluated: 2018-01-13. Review status: criteria provided, single submitter. Criteria: ICSL Variant Classification Criteria 13 December 2019. Collection method: clinical testing. Allele origin: germline.
Comment: This variant was observed in the ICSL laboratory as part of a predisposition screen in an ostensibly healthy population. It had not been previously curated by ICSL or reported in the Human Gene Mutation Database (HGMD: prior to June 1st, 2018), and was therefore a candidate for classification through an automated scoring system. Utilizing variant allele frequency, disease prevalence and penetrance estimates, and inheritance mode, an automated score was calculated to assess if this variant is too frequent to cause the disease. Based on the score and internal cut-off values, a variant classified as benign is not then subjected to further curation. The score for this variant resulted in a classification of benign for this disease.

Ambry Genetics
Classification: Benign for Hereditary pancreatitis. Last evaluated: 2014-09-11. Review status: criteria provided, single submitter. Criteria: Ambry Variant Classification Scheme 2023. Collection method: clinical testing. Allele origin: germline.

NM_007272.3(CTRC):c.156C>T (p.Asn52=)

Gene: CTRC (chymotrypsin C; plus strand). Cytogenetic location: 1p36.21.
Variant type: single nucleotide variant.
Coding change: c.156C>T on transcript NM_007272.3 (MANE Select); coding-DNA position 156, C replaced by T.
Protein change: p.Asn52=; no amino-acid change (asparagine 52 retained).
Molecular consequence: synonymous variant.
Genome position (GRCh38, 1-based): chr1:15,440,516, C>T. VCF-style: chr1-15440516-C-T. GRCh37 (hg19) VCF-style: chr1-15767012-C-T.
Other names: p.Asn52=.
Identifiers: ClinVar variation 292908 (VCV000292908.32), dbSNP rs77373944, ClinGen allele CA613241.
Genomic context (GRCh38, chr1:15,440,516, plus strand): 5'-TGCAGGCTGACACACAGCCCTCCCCACCCTCCTGCAGATCTCCCTCCAGTACCTCAAGAA[C>T]GACACGTGGAGGCATACGTGTGGCGGGACTTTGATTGCTAGCAACTTCGTCCTCACTGCC-3'
Protein context (NP_009203.2, residues 42-62): PWQISLQYLK[Asn52=]DTWRHTCGGT